The following is an entry in ClinVar:

ClinVar aggregate classification (germline): Uncertain significance (1 of 4 stars; one submission).

Submission:

Dasa
Classification: Uncertain significance. Last evaluated: 2025-11-24. Review status: criteria provided, single submitter. Criteria: DASA Assertion Criteria. Collection method: clinical testing. Allele origin: germline.
Comment: NM_020717.5(SHROOM4):c.3102del (p.Glu1035Argfs*146) is a frameshift variant in SHROOM4 predicted to alter the reading frame and introduce a premature termination codon. This variant is absent from population databases. The currently available literature and clinical evidence are not sufficient to establish a definitive association between this variant and the reported condition. Therefore, this variant is classified as a variant of uncertain significance.

NM_020717.5(SHROOM4):c.3102del (p.Glu1035fs)

Gene: SHROOM4 (shroom family member 4; minus strand). Cytogenetic location: Xp11.22.
Variant type: Deletion.
Coding change: c.3102del on transcript NM_020717.5 (MANE Select); coding-DNA position 3102, one base deleted (A; older notation c.3102delA).
Protein change: p.Glu1035fs; shifts the reading frame from glutamic acid 1035.
Molecular consequence: frameshift variant. On other transcripts: non-coding transcript variant (4).
Genome position (GRCh38, 1-based): chrX:50,608,040, T deleted on the plus strand (A on the coding strand, the reverse complement: SHROOM4 is on the minus strand). VCF-style (leftmost placement, unchanged base first): chrX-50608039-CT-C. GRCh37 (hg19) VCF-style: chrX-50351039-CT-C.
Other names: short protein forms E1035fs.
Identifiers: ClinVar variation 4883892 (VCV004883892.2).
Genomic context (GRCh38, chrX:50,608,039, plus strand): 5'-TGCGCAGTGGGTGGGGCATGGAGGCAAGGGAGCTCCCCTCCTCATAAACTGAAGTTTCCT[CT>C]GATTTTTTCAAAGCATGTTTGAAGTCTCCAAGGAGGTCAAGAGAAGAAATTGCTCGGTAG-3'